The following is an entry in ClinVar:

ClinVar aggregate classification (germline): Uncertain significance (1 of 4 stars; one submission).

Allele frequency attached by ClinVar (database versions not stated): gnomAD exomes 0.00118; gnomAD 0.00133 and 0.00128; 1000 Genomes Project 30x 0.00047; TOPMed 0.00082.
gnomAD v4.1: 245 of 200,232 alleles (0.12%); highest among the groups gnomAD compares: Non-Finnish European, 0.19%; no homozygotes.

Submission:

Laboratory for Molecular Medicine, Mass General Brigham Personalized Medicine
Classification: Uncertain significance. Last evaluated: 2013-10-14. Review status: criteria provided, single submitter. Criteria: LMM Criteria. Collection method: clinical testing. Allele origin: germline. Observed: 1 variant allele.
Comment: The *822T>C variant in SDHD has not been previously reported in individuals with pheochromocytomas or paragangliomas. Data from large population studies is insu fficient to estimate its frequency, though it has been listed in dbSNP without f requency information (rs201472512). This variant is located in the 3' untranslat ed region (3' UTR). While this region may contain important regulatory sequences , no pathogenic variants in the SDHD gene have been reported in this region. Add itional information is needed to fully assess the clinical significance of this variant.

NM_003002.4(SDHD):c.*822T>C

Gene: SDHD (succinate dehydrogenase complex subunit D; plus strand). Cytogenetic location: 11q23.1.
Variant type: single nucleotide variant.
Coding change: c.*822T>C on transcript NM_003002.4 (MANE Select); 822 bases downstream of the stop codon, T replaced by C.
Molecular consequence: 3 prime UTR variant. On other transcripts: non-coding transcript variant (1).
Genome position (GRCh38, 1-based): chr11:112,095,792, T>C. VCF-style: chr11-112095792-T-C. GRCh37 (hg19) VCF-style: chr11-111966516-T-C.
Other names: c.*899T>C (NM_001276503.2); c.*822T>C (NM_001276504.2); c.*1000T>C (NM_001276506.2).
Identifiers: ClinVar variation 179362 (VCV000179362.9), dbSNP rs201472512, ClinGen allele CA017094.